The following is an entry in ClinVar:

NM_014159.7(SETD2):c.5317C>T (p.Arg1773Cys)

Gene: SETD2 (SET domain containing 2, histone lysine methyltransferase; minus strand). Cytogenetic location: 3p21.31.
Variant type: single nucleotide variant.
Coding change: c.5317C>T on transcript NM_014159.7 (MANE Select); coding-DNA position 5317, C replaced by T.
Protein change: p.Arg1773Cys; replaces arginine 1773 with cysteine.
Molecular consequence: missense variant. On other transcripts: non-coding transcript variant (1).
Genome position (GRCh38, 1-based): chr3:47,086,275, G>A on the plus strand (C>T on the coding strand, the complement: SETD2 is on the minus strand). VCF-style: chr3-47086275-G-A. GRCh37 (hg19) VCF-style: chr3-47127765-G-A.
Other names: c.5185C>T, p.Arg1729Cys (NM_001349370.3); short protein forms R1729C, R1773C.
Identifiers: ClinVar variation 647868 (VCV000647868.3), dbSNP rs758473163, ClinGen allele CA2362931.

ClinVar aggregate classification (germline): Uncertain significance (1 of 4 stars; one submission).

Conditions:
Luscan-Lumish syndrome. Identifiers: Orphanet 597738, MedGen C4085873, MONDO:0014791, OMIM 616831.

Allele frequency attached by ClinVar (database versions not stated): TOPMed 0.00002; ExAC 0.00003; gnomAD exomes 0.00001 and 0.00004; gnomAD 0.00002.
gnomAD v4.1: 20 of 1,612,856 alleles (0.0012%); highest among the groups gnomAD compares: Middle Eastern, 0.033%; no homozygotes.

Submission:

Labcorp Genetics (formerly Invitae), Labcorp
Classification: Uncertain significance for Luscan-Lumish syndrome. Last evaluated: 2021-08-20. Review status: criteria provided, single submitter. Criteria: Invitae Variant Classification Sherloc (09022015). Collection method: clinical testing. Allele origin: germline.
Comment: This sequence change replaces arginine with cysteine at codon 1773 of the SETD2 protein (p.Arg1773Cys). The arginine residue is moderately conserved and there is a large physicochemical difference between arginine and cysteine. This variant is present in population databases (rs758473163, ExAC 0.05%). This variant has not been reported in the literature in individuals affected with SETD2-related conditions. Algorithms developed to predict the effect of missense changes on protein structure and function output the following: SIFT: "Tolerated"; PolyPhen-2: "Benign"; Align-GVGD: "Class C0". The cysteine amino acid residue is found in multiple mammalian species, which suggests that this missense change does not adversely affect protein function. In summary, the available evidence is currently insufficient to determine the role of this variant in disease. Therefore, it has been classified as a Variant of Uncertain Significance.